The following is an entry in ClinVar:

NM_000454.5(SOD1):c.445G>A (p.Val149Ile)

Gene: SOD1 (superoxide dismutase 1; plus strand). Cytogenetic location: 21q22.11.
Variant type: single nucleotide variant.
Coding change: c.445G>A on transcript NM_000454.5 (MANE Select); coding-DNA position 445, G replaced by A.
Protein change: p.Val149Ile; replaces valine 149 with isoleucine.
Molecular consequence: missense variant.
Genome position (GRCh38, 1-based): chr21:31,668,558, G>A. VCF-style: chr21-31668558-G-A. GRCh37 (hg19) VCF-style: chr21-33040871-G-A.
Other names: short protein forms V149I.
Identifiers: ClinVar variation 1711542 (VCV001711542.33), dbSNP rs567511139, ClinGen allele CA9998986.

ClinVar aggregate classification (germline): Likely pathogenic. Review status: criteria provided, multiple submitters, no conflicts (2 of 4 stars). 2 submissions from 2 submitters: Likely pathogenic (2). Last evaluated 2023-02-14.

Conditions:
Amyotrophic lateral sclerosis type 1 (ALS1). Also called: AMYOTROPHIC LATERAL SCLEROSIS 1, FAMILIAL. Identifiers: Orphanet 803, MedGen C1862939, MONDO:0007103, OMIM 105400.

Allele frequency attached by ClinVar (database versions not stated): gnomAD exomes below 0.00001; ExAC 0.00002; gnomAD 0.00002; 1000 Genomes Project 30x 0.00031; 1000 Genomes Project 0.00040.
gnomAD v4.1: 6 of 1,613,730 alleles (0.00037%); highest among the groups gnomAD compares: East Asian, 0.0089%; no homozygotes.

Submissions (2):

Labcorp Genetics (formerly Invitae), Labcorp
Classification: Likely pathogenic for Amyotrophic lateral sclerosis type 1. Last evaluated: 2023-02-14. Review status: criteria provided, single submitter. Criteria: Invitae Variant Classification Sherloc (09022015). Collection method: clinical testing. Allele origin: germline.
Comment: This variant disrupts the p.Val149 amino acid residue in SOD1. Other variant(s) that disrupt this residue have been determined to be pathogenic (PMID: 11951178, 25681989, 28105640). This suggests that this residue is clinically significant, and that variants that disrupt this residue are likely to be disease-causing. In summary, the currently available evidence indicates that the variant is pathogenic, but additional data are needed to prove that conclusively. Therefore, this variant has been classified as Likely Pathogenic. This sequence change replaces valine, which is neutral and non-polar, with isoleucine, which is neutral and non-polar, at codon 149 of the SOD1 protein (p.Val149Ile). Experimental studies are conflicting or provide insufficient evidence to determine the effect of this variant on SOD1 function (PMID: 7795609, 19483195, 21257910, 23290792, 26362407). Advanced modeling of protein sequence and biophysical properties (such as structural, functional, and spatial information, amino acid conservation, physicochemical variation, residue mobility, and thermodynamic stability) performed at Invitae indicates that this missense variant is expected to disrupt SOD1 protein function. ClinVar contains an entry for this variant (Variation ID: 1711542). This variant is also known as p.V148I. This missense change has been observed in individual(s) with amyotrophic lateral sclerosis (PMID: 24283690). This variant is present in population databases (rs567511139, gnomAD 0.01%).

CeGaT Center for Human Genetics Tuebingen
Classification: Likely pathogenic. Last evaluated: 2022-09-01. Review status: criteria provided, single submitter. Criteria: CeGaT Center For Human Genetics Tuebingen Variant Classification Criteria Version 2. Collection method: clinical testing. Allele origin: germline. Affected: yes. Observed: 1 variant allele.
Comment: SOD1: PM1, PM5, PS4:Moderate

Literature cited by the submitters: PubMed 11951178 (cited by Labcorp Genetics (formerly Invitae), Labcorp); PubMed 25681989 (cited by Labcorp Genetics (formerly Invitae), Labcorp); PubMed 28105640 (cited by Labcorp Genetics (formerly Invitae), Labcorp); PubMed 7795609 (cited by Labcorp Genetics (formerly Invitae), Labcorp); PubMed 19483195 (cited by Labcorp Genetics (formerly Invitae), Labcorp); PubMed 21257910 (cited by Labcorp Genetics (formerly Invitae), Labcorp); PubMed 23290792 (cited by Labcorp Genetics (formerly Invitae), Labcorp); PubMed 26362407 (cited by Labcorp Genetics (formerly Invitae), Labcorp); PubMed 24283690 (cited by Labcorp Genetics (formerly Invitae), Labcorp).